The following is an entry in ClinVar:

NM_000052.7(ATP7A):c.4038C>T (p.Asp1346=)

Gene: ATP7A (ATPase copper transporting alpha; plus strand). Cytogenetic location: Xq21.1.
Variant type: single nucleotide variant.
Coding change: c.4038C>T on transcript NM_000052.7 (MANE Select); coding-DNA position 4038, C replaced by T.
Protein change: p.Asp1346=; no amino-acid change (aspartic acid 1346 retained).
Molecular consequence: synonymous variant. On other transcripts: non-coding transcript variant (1).
Genome position (GRCh38, 1-based): chrX:78,043,349, C>T. VCF-style: chrX-78043349-C-T. GRCh37 (hg19) VCF-style: chrX-77298847-C-T.
Other names: c.3804C>T, p.Asp1268= (NM_001282224.2).
Identifiers: ClinVar variation 589458 (VCV000589458.18), dbSNP rs375819425, ClinGen allele CA331109346.

ClinVar aggregate classification (germline): Likely benign. Review status: criteria provided, multiple submitters, no conflicts (2 of 4 stars). 4 submissions from 4 submitters: Likely benign (3). 1 of the submissions does not count toward it. Last evaluated 2026-01-29.

Conditions:
Inborn genetic diseases. Identifiers: MedGen C0950123, MeSH D030342.
Menkes kinky-hair syndrome (MNK). Also called: Copper transport disease; Menkes Disease; Classic Menkes Disease. Identifiers: Orphanet 565, MedGen C0022716, MONDO:0010651, OMIM 309400.
Cutis laxa, X-linked (OHS). Also called: EDS IX; Occipital horn syndrome. Identifiers: Orphanet 198, MedGen C0268353, MONDO:0010572, OMIM 304150.
X-linked distal spinal muscular atrophy type 3. Also called: NEURONOPATHY, DISTAL HEREDITARY MOTOR, X-LINKED; NEUROPATHY, DISTAL HEREDITARY MOTOR, X-LINKED; ATP7A-Related Distal Motor Neuropathy; SPINAL MUSCULAR ATROPHY, DISTAL, X-LINKED RECESSIVE. Identifiers: Orphanet 139557, MedGen C1845359, MONDO:0010338, OMIM 300489.
ATP7A-related disorder. Also called: ATP7A-related condition.

Allele frequency attached by ClinVar (database versions not stated): gnomAD below 0.00001 and 0.00001; TOPMed 0.00001.
gnomAD v4.1: 13 of 1,205,862 alleles (0.0011%); highest among the groups gnomAD compares: South Asian, 0.007%; no homozygotes.

Submissions (4):

Labcorp Genetics (formerly Invitae), Labcorp
Classification: Likely benign for X-linked distal spinal muscular atrophy type 3; Cutis laxa, X-linked; Menkes kinky-hair syndrome. Last evaluated: 2026-01-29. Review status: criteria provided, single submitter. Criteria: Invitae Variant Classification Sherloc (09022015). Collection method: clinical testing. Allele origin: germline.

Blueprint Genetics
Classification: Likely benign. Last evaluated: 2023-01-23. Review status: criteria provided, single submitter. Criteria: ACMG Guidelines, 2015. Collection method: clinical testing. Allele origin: germline.

Ambry Genetics
Classification: Likely benign for Inborn genetic diseases. Last evaluated: 2016-11-25. Review status: criteria provided, single submitter. Criteria: Ambry Variant Classification Scheme 2023. Collection method: clinical testing. Allele origin: germline.

PreventionGenetics, part of Exact Sciences
Classification: Likely benign for ATP7A-related condition. Last evaluated: 2024-05-08. Review status: no assertion criteria provided. Collection method: clinical testing. Allele origin: germline. Not counted in ClinVar's aggregate classification.
Comment: This variant is classified as likely benign based on ACMG/AMP sequence variant interpretation guidelines (Richards et al. 2015 PMID: 25741868, with internal and published modifications).